The following is an entry in ClinVar:

NM_138704.4(NSMCE3):c.133G>A (p.Glu45Lys)

Genes: ENTREP2 (endosomal transmembrane epsin interactor 2; minus strand), NSMCE3 (NSE3 component of SMC5/6 complex; minus strand). Cytogenetic location: 15q13.1.
Variant type: single nucleotide variant.
Coding change: c.133G>A on transcript NM_138704.4 (MANE Select); coding-DNA position 133, G replaced by A.
Protein change: p.Glu45Lys; replaces glutamic acid 45 with lysine.
Molecular consequence: missense variant. On other transcripts: intron variant (5).
Genome position (GRCh38, 1-based): chr15:29,269,573, C>T on the plus strand (G>A on the coding strand, the complement: NSMCE3 is on the minus strand). VCF-style: chr15-29269573-C-T. GRCh37 (hg19) VCF-style: chr15-29561777-C-T.
Other names: c.-12-17095G>A (NM_001387217.1, NM_001387215.1, NM_001387216.1); c.277-17095G>A (NM_001387214.1, NM_015307.2); short protein forms E45K.
Identifiers: ClinVar variation 1420559 (VCV001420559.6), dbSNP rs746746933, ClinGen allele CA391484858.

ClinVar aggregate classification (germline): Uncertain significance (1 of 4 stars; one submission).

Submission:

Labcorp Genetics (formerly Invitae), Labcorp
Classification: Uncertain significance. Last evaluated: 2022-08-16. Review status: criteria provided, single submitter. Criteria: Invitae Variant Classification Sherloc (09022015). Collection method: clinical testing. Allele origin: germline.
Comment: In summary, the available evidence is currently insufficient to determine the role of this variant in disease. Therefore, it has been classified as a Variant of Uncertain Significance. Algorithms developed to predict the effect of missense changes on protein structure and function (SIFT, PolyPhen-2, Align-GVGD) all suggest that this variant is likely to be tolerated. ClinVar contains an entry for this variant (Variation ID: 1420559). This variant has not been reported in the literature in individuals affected with NSMCE3-related conditions. This variant is not present in population databases (gnomAD no frequency). This sequence change replaces glutamic acid, which is acidic and polar, with lysine, which is basic and polar, at codon 45 of the NSMCE3 protein (p.Glu45Lys).